The following is an entry in ClinVar:

ClinVar aggregate classification (germline): Uncertain significance (1 of 4 stars; one submission).

Conditions:
Ectodermal dysplasia and immunodeficiency 2. Identifiers: Orphanet 238468, Orphanet 98813, MedGen C2677481, MONDO:0012806, OMIM 612132.

Submissions (2):

Laboratorio de Genetica e Diagnostico Molecular, Hospital Israelita Albert Einstein
Classification: Uncertain significance for Ectodermal dysplasia and immunodeficiency 2. Last evaluated: 2025-02-26. Review status: criteria provided, single submitter. Criteria: ACMG Guidelines, 2015. Collection method: clinical testing. Allele origin: germline. Affected: yes.
Comment: ACMG classification criteria: PM2 supporting

Dr. Peter K. Rogan Lab, Western University
No classification provided (evidence only). Condition: Cervical cancer. Review status: no classification provided. Collection method: in vitro. Allele origin: not applicable. Functional consequence: retained intron. Not counted in ClinVar's aggregate classification.

NM_020529.3(NFKBIA):c.336+3G>T

Gene: NFKBIA (NFKB inhibitor alpha; minus strand). Cytogenetic location: 14q13.2.
Variant type: single nucleotide variant.
Coding change: c.336+3G>T on transcript NM_020529.3 (MANE Select); 3 bases into the intron after coding-DNA position 336, G replaced by T.
Molecular consequence: intron variant.
Genome position (GRCh38, 1-based): chr14:35,403,687, C>A on the plus strand (G>T on the coding strand, the complement: NFKBIA is on the minus strand). VCF-style: chr14-35403687-C-A. GRCh37 (hg19) VCF-style: chr14-35872893-C-A.
Other names: NC_000014.8:g.35872893C>A.
Identifiers: ClinVar variation 4056659 (VCV004056659.2).